The following is an entry in ClinVar:

ClinVar aggregate classification (germline): Uncertain significance (1 of 4 stars; one submission).

Conditions:
Progressive myoclonic epilepsy type 8. Identifiers: Orphanet 424027, MedGen C5190825, MONDO:0014545, OMIM 616230.

gnomAD v4.1: 1 of 1,613,688 alleles (0.000062%); no homozygotes.

Submission:

Labcorp Genetics (formerly Invitae), Labcorp
Classification: Uncertain significance for Progressive myoclonic epilepsy type 8. Last evaluated: 2021-02-04. Review status: criteria provided, single submitter. Criteria: Invitae Variant Classification Sherloc (09022015). Collection method: clinical testing. Allele origin: germline.
Comment: This sequence change replaces threonine with isoleucine at codon 186 of the CERS1 protein (p.Thr186Ile). The threonine residue is highly conserved and there is a moderate physicochemical difference between threonine and isoleucine. This variant is not present in population databases (ExAC no frequency). This variant has not been reported in the literature in individuals with CERS1-related disease. Algorithms developed to predict the effect of missense changes on protein structure and function are either unavailable or do not agree on the potential impact of this missense change (SIFT: "Tolerated"; PolyPhen-2: "Probably Damaging"; Align-GVGD: "Class C0"). In summary, the available evidence is currently insufficient to determine the role of this variant in disease. Therefore, it has been classified as a Variant of Uncertain Significance.

NM_021267.5(CERS1):c.557C>T (p.Thr186Ile)

Genes: GDF1 (growth differentiation factor 1; minus strand), CERS1 (ceramide synthase 1; minus strand). Cytogenetic location: 19p13.11.
Variant type: single nucleotide variant.
Coding change: c.557C>T on transcript NM_021267.5 (MANE Select); coding-DNA position 557, C replaced by T.
Protein change: p.Thr186Ile; replaces threonine 186 with isoleucine.
Molecular consequence: missense variant. On other transcripts: 5 prime UTR variant (2).
Genome position (GRCh38, 1-based): chr19:18,884,120, G>A on the plus strand (C>T on the coding strand, the complement: CERS1 is on the minus strand). VCF-style: chr19-18884120-G-A. GRCh37 (hg19) VCF-style: chr19-18994929-G-A.
Other names: c.263C>T, p.Thr88Ile (NM_001290265.2, NM_001387442.1, NM_001387443.1 and 2 more transcripts); c.557C>T, p.Thr186Ile (NM_001387439.1, NM_001387440.1, NM_001387441.1 and 1 more transcripts); c.-346C>T (NM_001387438.1); c.-766C>T (NM_001492.6); short protein forms T88I, T186I.
Identifiers: ClinVar variation 663486 (VCV000663486.8), dbSNP rs1601172583, ClinGen allele CA404866870.
Genomic context (GRCh38, chr19:18,884,120, plus strand): 5'-CCCCCTGCCACCCGATCCTGTCCTTACCGGAAGGCGTAGGAGGAGACGATGAGGATGAGA[G>A]TGACCACGTGGTGGAGCAGCATGACCACCGAGTCCTTGCGCCAGGTGTCCATGTATAGCG-3'
Protein context (NP_067090.1, residues 176-196): SVVMLLHHVV[Thr186Ile]LILIVSSYAF